The following is an entry in ClinVar:

ClinVar aggregate classification (germline): Uncertain significance (1 of 4 stars; one submission).

Conditions:
Arrhythmogenic right ventricular dysplasia 13. Also called: ARRHYTHMOGENIC RIGHT VENTRICULAR CARDIOMYOPATHY 13; Arrhythmogenic right ventricular dysplasia, familial, 13. Identifiers: MedGen C3810138, MONDO:0000908, OMIM 615616.

Submission:

Labcorp Genetics (formerly Invitae), Labcorp
Classification: Uncertain significance for Arrhythmogenic right ventricular dysplasia 13. Last evaluated: 2018-01-04. Review status: criteria provided, single submitter. Criteria: Invitae Variant Classification Sherloc (09022015). Collection method: clinical testing. Allele origin: germline.
Comment: This variant is a gross duplication of the genomic region encompassing exon 11 of the CTNNA3 gene. While the exact position of the duplicated exon cannot be determined from this data, sub-genic duplications are generally in tandem (PMID: 25640679) and may result in an absent or disrupted protein product. This variant has not been reported in the literature in individuals with CTNNA3-related disease. The current clinical and genetic evidence is not sufficient to establish whether loss-of-function variants in CTNNA3 cause disease. In summary, the available evidence is currently insufficient to determine the role of this variant in disease. Therefore, it has been classified as a Variant of Uncertain Significance.

NC_000010.10:g.(?_68280355)_(68280551_?)dup

Gene: CTNNA3 (catenin alpha 3; minus strand). Cytogenetic location: 10q21.3.
Variant type: Duplication.
Identifiers: ClinVar variation 541669 (VCV000541669.1).